The following is an entry in ClinVar:

NM_001846.4(COL4A2):c.1611C>G (p.Asn537Lys)

Genes: COL4A2-AS2 (COL4A2 antisense RNA 2; minus strand), COL4A2 (collagen type IV alpha 2 chain; plus strand). Cytogenetic location: 13q34.
Variant type: single nucleotide variant.
Coding change: c.1611C>G on transcript NM_001846.4 (MANE Select); coding-DNA position 1611, C replaced by G.
Protein change: p.Asn537Lys; replaces asparagine 537 with lysine.
Molecular consequence: missense variant.
Genome position (GRCh38, 1-based): chr13:110,462,128, C>G. VCF-style: chr13-110462128-C-G. GRCh37 (hg19) VCF-style: chr13-111114475-C-G.
Other names: short protein forms N537K.
Identifiers: ClinVar variation 2980268 (VCV002980268.3), dbSNP rs2502120112, ClinGen allele CA388738288.

ClinVar aggregate classification (germline): Uncertain significance (1 of 4 stars; one submission).

Submission:

Labcorp Genetics (formerly Invitae), Labcorp
Classification: Uncertain significance. Last evaluated: 2025-05-20. Review status: criteria provided, single submitter. Criteria: Invitae Variant Classification Sherloc (09022015). Collection method: clinical testing. Allele origin: germline.
Comment: This sequence change replaces asparagine, which is neutral and polar, with lysine, which is basic and polar, at codon 537 of the COL4A2 protein (p.Asn537Lys). This variant is not present in population databases (gnomAD no frequency). This variant has not been reported in the literature in individuals affected with COL4A2-related conditions. ClinVar contains an entry for this variant (Variation ID: 2980268). Invitae Evidence Modeling of protein sequence and biophysical properties (such as structural, functional, and spatial information, amino acid conservation, physicochemical variation, residue mobility, and thermodynamic stability) indicates that this missense variant is not expected to disrupt COL4A2 protein function with a negative predictive value of 95%. In summary, the available evidence is currently insufficient to determine the role of this variant in disease. Therefore, it has been classified as a Variant of Uncertain Significance.